The following is an entry in ClinVar:

NM_021098.3(CACNA1H):c.3509A>G (p.Glu1170Gly)

Gene: CACNA1H (calcium voltage-gated channel subunit alpha1 H; plus strand). Cytogenetic location: 16p13.3.
Variant type: single nucleotide variant.
Coding change: c.3509A>G on transcript NM_021098.3 (MANE Select); coding-DNA position 3509, A replaced by G.
Protein change: p.Glu1170Gly; replaces glutamic acid 1170 with glycine.
Molecular consequence: missense variant.
Genome position (GRCh38, 1-based): chr16:1,209,177, A>G. VCF-style: chr16-1209177-A-G. GRCh37 (hg19) VCF-style: chr16-1259177-A-G.
Other names: c.3509A>G, p.Glu1170Gly (NM_001005407.2); short protein forms E1170G.
Identifiers: ClinVar variation 3366241 (VCV003366241.1).

ClinVar aggregate classification (germline): Uncertain significance (1 of 4 stars; one submission).

Submission:

GeneDx
Classification: Uncertain significance. Last evaluated: 2023-10-23. Review status: criteria provided, single submitter. Criteria: GeneDx Variant Classification Process June 2021. Collection method: clinical testing. Allele origin: germline. Affected: yes.
Comment: Not observed at significant frequency in large population cohorts (gnomAD); In silico analysis supports that this missense variant has a deleterious effect on protein structure/function; Has not been previously published as pathogenic or benign to our knowledge